The following is an entry in ClinVar:

ClinVar aggregate classification (germline): Uncertain significance (1 of 4 stars; one submission).

Conditions:
Cardiovascular phenotype. Identifiers: MedGen CN230736.

Submission:

Ambry Genetics
Classification: Uncertain significance for Cardiovascular phenotype. Last evaluated: 2022-02-14. Review status: criteria provided, single submitter. Criteria: Ambry Variant Classification Scheme 2023. Collection method: clinical testing. Allele origin: germline.
Comment: The p.Q620R variant (also known as c.1859A>G), located in coding exon 14 of the DSP gene, results from an A to G substitution at nucleotide position 1859. The glutamine at codon 620 is replaced by arginine, an amino acid with highly similar properties. This amino acid position is conserved. In addition, the in silico prediction for this alteration is inconclusive. Since supporting evidence is limited at this time, the clinical significance of this alteration remains unclear.

NM_004415.4(DSP):c.1859A>G (p.Gln620Arg)

Gene: DSP (desmoplakin; plus strand). Cytogenetic location: 6p24.3.
Variant type: single nucleotide variant.
Coding change: c.1859A>G on transcript NM_004415.4 (MANE Select); coding-DNA position 1859, A replaced by G.
Protein change: p.Gln620Arg; replaces glutamine 620 with arginine.
Molecular consequence: missense variant.
Genome position (GRCh38, 1-based): chr6:7,571,540, A>G. VCF-style: chr6-7571540-A-G. GRCh37 (hg19) VCF-style: chr6-7571773-A-G.
Other names: c.1859A>G, p.Gln620Arg (NM_001008844.3, NM_001319034.2); short protein forms Q620R.
Identifiers: ClinVar variation 1781455 (VCV001781455.2), dbSNP rs2533894481, ClinGen allele CA362679598.
Genomic context (GRCh38, chr6:7,571,540, plus strand): 5'-TTGGAGATGATGACAAGCGGAAAATACAGTCTCAGTTCACCGATGCCCAGAAGCATTACC[A>G]GACCCTGGTCATTCAGCTCCCTGGCTATCCCCAGCACCAGACAGGTCGGCTTGGGACATC-3'
Protein context (NP_004406.2, residues 610-630): SQFTDAQKHY[Gln620Arg]TLVIQLPGYP